The following is an entry in ClinVar:

ClinVar aggregate classification (germline): Uncertain significance (1 of 4 stars; one submission).

Conditions:
Inborn genetic diseases. Identifiers: MedGen C0950123, MeSH D030342.

gnomAD v4.1: 2 of 1,614,188 alleles (0.00012%); highest among the groups gnomAD compares: South Asian, 0.0022%; no homozygotes.

Submission:

Ambry Genetics
Classification: Uncertain significance for Inborn genetic diseases. Last evaluated: 2026-03-23. Review status: criteria provided, single submitter. Criteria: Ambry Variant Classification Scheme 2023. Collection method: clinical testing. Allele origin: germline.
Comment: The p.R819G variant (also known as c.2455A>G), located in coding exon 8 of the MECOM gene, results from an A to G substitution at nucleotide position 2455. The arginine at codon 819 is replaced by glycine, an amino acid with dissimilar properties. This amino acid position is conserved. In addition, the in silico prediction for this alteration is inconclusive. Based on the available evidence, the clinical significance of this variant remains unclear.

NM_004991.4(MECOM):c.2455A>G (p.Arg819Gly)

Gene: MECOM (MDS1 and EVI1 complex locus; minus strand). Cytogenetic location: 3q26.2.
Variant type: single nucleotide variant.
Coding change: c.2455A>G on transcript NM_004991.4 (MANE Select); coding-DNA position 2455, A replaced by G.
Protein change: p.Arg819Gly; replaces arginine 819 with glycine.
Molecular consequence: missense variant.
Genome position (GRCh38, 1-based): chr3:169,115,417, T>C on the plus strand (A>G on the coding strand, the complement: MECOM is on the minus strand). VCF-style: chr3-169115417-T-C. GRCh37 (hg19) VCF-style: chr3-168833205-T-C.
Other names: c.2086A>G, p.Arg696Gly (NM_001105077.4); c.1891A>G, p.Arg631Gly (NM_001105078.4, NM_001164000.2, NM_001205194.2 and 4 more transcripts); c.1894A>G, p.Arg632Gly (NM_001163999.2, NM_001366467.2, NM_001366468.2 and 1 more transcripts); c.2455A>G, p.Arg819Gly (NM_001366466.2); c.1483A>G, p.Arg495Gly (NM_001366473.2); c.919A>G, p.Arg307Gly (NM_001366474.2); short protein forms R307G, R495G, R631G, R632G, R696G, R819G.
Identifiers: ClinVar variation 4859699 (VCV004859699.1).